The following is an entry in ClinVar:

ClinVar aggregate classification (germline): Uncertain significance (1 of 4 stars; one submission).

Conditions:
Meckel-Gruber syndrome. Also called: Dysencephalia splachnocystica; DYSENCEPHALIA SPLANCHNOCYSTICA; GRUBER SYNDROME. Identifiers: Orphanet 564, MedGen C0265215, MONDO:0018921.
Joubert syndrome. Also called: Familial aplasia of the vermis; JOUBERT-BOLTSHAUSER SYNDROME. Identifiers: Orphanet 475, MedGen C5979921, MONDO:0018772.

Submission:

Labcorp Genetics (formerly Invitae), Labcorp
Classification: Uncertain significance for Joubert syndrome; Meckel-Gruber syndrome. Last evaluated: 2024-12-02. Review status: criteria provided, single submitter. Criteria: Invitae Variant Classification Sherloc (09022015). Collection method: clinical testing. Allele origin: germline.
Comment: This sequence change replaces proline, which is neutral and non-polar, with serine, which is neutral and polar, at codon 1054 of the CC2D2A protein (p.Pro1054Ser). This variant is not present in population databases (gnomAD no frequency). This variant has not been reported in the literature in individuals affected with CC2D2A-related conditions. ClinVar contains an entry for this variant (Variation ID: 938538). Invitae Evidence Modeling of protein sequence and biophysical properties (such as structural, functional, and spatial information, amino acid conservation, physicochemical variation, residue mobility, and thermodynamic stability) indicates that this missense variant is expected to disrupt CC2D2A protein function with a positive predictive value of 80%. In summary, the available evidence is currently insufficient to determine the role of this variant in disease. Therefore, it has been classified as a Variant of Uncertain Significance.

NM_001378615.1(CC2D2A):c.3160C>T (p.Pro1054Ser)

Genes: CC2D2A (coiled-coil and C2 domain containing 2A; plus strand), FBXL5 (F-box and leucine rich repeat protein 5; minus strand). Cytogenetic location: 4p15.32.
Variant type: single nucleotide variant.
Coding change: c.3160C>T on transcript NM_001378615.1 (MANE Select); coding-DNA position 3160, C replaced by T.
Protein change: p.Pro1054Ser; replaces proline 1054 with serine.
Molecular consequence: missense variant.
Genome position (GRCh38, 1-based): chr4:15,563,500, C>T. VCF-style: chr4-15563500-C-T. GRCh37 (hg19) VCF-style: chr4-15565123-C-T.
Other names: c.3160C>T, p.Pro1054Ser (NM_001080522.2); c.3013C>T, p.Pro1005Ser (NM_001378617.1); short protein forms P1005S, P1054S.
Identifiers: ClinVar variation 938538 (VCV000938538.10), dbSNP rs1719718448, ClinGen allele CA356416261.
Genomic context (GRCh38, chr4:15,563,500, plus strand): 5'-CAAAACCTGTCTGATGGAGACATAAAGCTGCTGGTGAACATTGTGCGAGCTTACGACATT[C>T]CAGTGAGGAAGCCGGCAGTGAGGTGAGAGCCCTCCCAACAGCCCGAGATGCAGTGTGCAG-3'
Protein context (NP_001365544.1, residues 1044-1064): LVNIVRAYDI[Pro1054Ser]VRKPAVSKFQ